The following is an entry in ClinVar:

NM_030912.3(TRIM8):c.299dup (p.Leu101fs)

Gene: TRIM8 (tripartite motif containing 8; plus strand). Cytogenetic location: 10q24.32.
Variant type: Duplication.
Coding change: c.299dup on transcript NM_030912.3 (MANE Select); coding-DNA position 299, one base duplicated (C; older notation c.299dupC).
Protein change: p.Leu101fs; shifts the reading frame from leucine 101.
Molecular consequence: frameshift variant. On other transcripts: non-coding transcript variant (1).
Genome position (GRCh38, 1-based): chr10:102,644,916, C duplicated; the last of 6 consecutive C bases (chr10:102,644,911-102,644,916); duplicating any one gives the same sequence. VCF-style (leftmost placement, unchanged base first): chr10-102644910-G-GC. GRCh37 (hg19) VCF-style: chr10-104404667-G-GC.
Other names: c.299dup, p.Leu101fs (NM_001345950.1); short protein forms L101fs.
Identifiers: ClinVar variation 1316048 (VCV001316048.2), dbSNP rs2135973829, ClinGen allele CA2573053230.

ClinVar aggregate classification (germline): Uncertain significance (1 of 4 stars; one submission).

Submission:

GeneDx
Classification: Uncertain significance. Last evaluated: 2019-12-17. Review status: criteria provided, single submitter. Criteria: GeneDx Variant Classification Process June 2021. Collection method: clinical testing. Allele origin: germline. Affected: yes.
Comment: Not observed in large population cohorts (Lek et al., 2016); Frameshift variant predicted to result in protein truncation or nonsense mediated decay in a gene for which loss-of-function is not a known mechanism of disease; Has not been previously published as pathogenic or benign to our knowledge